The following is an entry in ClinVar:

ClinVar aggregate classification (germline): Likely benign (0 of 4 stars; one submission).

Conditions:
TUBGCP4-related disorder. Also called: TUBGCP4-related condition.

Submission:

PreventionGenetics, part of Exact Sciences
Classification: Likely benign for TUBGCP4-related condition. Last evaluated: 2022-10-19. Review status: no assertion criteria provided. Collection method: clinical testing. Allele origin: germline.
Comment: This variant is classified as likely benign based on ACMG/AMP sequence variant interpretation guidelines (Richards et al. 2015 PMID: 25741868, with internal and published modifications).

NM_014444.5(TUBGCP4):c.774C>T (p.Ser258=)

Gene: TUBGCP4 (tubulin gamma complex component 4; plus strand). Cytogenetic location: 15q15.3.
Variant type: single nucleotide variant.
Coding change: c.774C>T on transcript NM_014444.5 (MANE Select); coding-DNA position 774, C replaced by T.
Protein change: p.Ser258=; no amino-acid change (serine 258 retained).
Molecular consequence: synonymous variant.
Genome position (GRCh38, 1-based): chr15:43,385,841, C>T. VCF-style: chr15-43385841-C-T. GRCh37 (hg19) VCF-style: chr15-43678039-C-T.
Other names: c.774C>T, p.Ser258= (NM_001286414.3).
Identifiers: ClinVar variation 3031056 (VCV003031056.2), dbSNP rs1203670124, ClinGen allele CA490139412.